The following is an entry in ClinVar:

ClinVar aggregate classification (germline): Likely pathogenic. Review status: criteria provided, multiple submitters, no conflicts (2 of 4 stars). 2 submissions from 2 submitters: Likely pathogenic (2). Last evaluated 2025-10-09.

Conditions:
Combined malonic and methylmalonic acidemia. Identifiers: Orphanet 289504, MedGen C3280314, MONDO:0013661, OMIM 614265.

Submissions (2):

Natera, Inc.
Classification: Likely pathogenic for Combined malonic and methylmalonic aciduria. Last evaluated: 2025-10-09. Review status: criteria provided, single submitter. Criteria: Natera Variant Classification Schema (03/2026). Collection method: clinical testing. Allele origin: germline.
Comment: The c.1624_1631delGCCCCGTAinsCAGATGC variant in ACSF3 is a frameshift variant predicted to elongate the protein beyond the termination codon. This variant is expected to result in nonsense mediated decay, truncation, or a dysfunctional protein product. This variant is rare in the general population with a frequency below the threshold expected for the associated phenotype(s). Given the available evidence, this variant is classified as Likely Pathogenic.

Baylor Genetics
Classification: Likely pathogenic for Combined malonic and methylmalonic acidemia. Last evaluated: 2024-01-31. Review status: criteria provided, single submitter. Criteria: ACMG Guidelines, 2015. Collection method: clinical testing. Allele origin: unknown.

NM_001243279.3(ACSF3):c.1624_1631delinsCAGATGC (p.Ala542fs)

Gene: ACSF3 (acyl-CoA synthetase family member 3; plus strand). Cytogenetic location: 16q24.3.
Variant type: Indel.
Coding change: c.1624_1631delinsCAGATGC on transcript NM_001243279.3 (MANE Select); coding-DNA positions 1624 to 1631, GCCCCGTA replaced by CAGATGC.
Protein change: p.Ala542fs; shifts the reading frame from alanine 542.
Molecular consequence: frameshift variant. On other transcripts: non-coding transcript variant (4).
Genome position (GRCh38, 1-based): chr16:89,154,100-89,154,107, GCCCCGTA replaced by CAGATGC. VCF-style: chr16-89154100-GCCCCGTA-CAGATGC. GRCh37 (hg19) VCF-style: chr16-89220508-GCCCCGTA-CAGATGC.
Other names: c.1624_1631delinsCAGATGC, p.Ala542fs (NM_001127214.4, NM_174917.5); c.829_836delinsCAGATGC, p.Ala277fs (NM_001284316.2); c.1624_1631delGCCCCGTAinsCAGATGC (NM_174917.4); short protein forms A277fs, A542fs.
Identifiers: ClinVar variation 2680540 (VCV002680540.3), dbSNP rs2543916694, ClinGen allele CA2695201142.